The following is an entry in ClinVar:

NC_000011.9:g.(?_108170564)_(108179827_?)del

Gene: ATM (ATM serine/threonine kinase; plus strand). Cytogenetic location: 11q22.3.
Variant type: Deletion.
Identifiers: ClinVar variation 3244514 (VCV003244514.1).

ClinVar aggregate classification (germline): Pathogenic (1 of 4 stars; one submission).

Conditions:
Ataxia-telangiectasia syndrome (AT). Also called: LOUIS-BAR SYNDROME; Cerebello-oculocutaneous telangiectasia; Immunodeficiency with ataxia telangiectasia; AT, COMPLEMENTATION GROUP C; Ataxia-telangiectasia, complementation group D; ATAXIA-TELANGIECTASIA, COMPLEMENTATION GROUP A. Identifiers: Orphanet 100, MedGen C0004135, MONDO:0008840, OMIM 208900.

Submission:

Labcorp Genetics (formerly Invitae), Labcorp
Classification: Pathogenic for Ataxia-telangiectasia syndrome. Last evaluated: 2023-11-22. Review status: criteria provided, single submitter. Criteria: Invitae Variant Classification Sherloc (09022015). Collection method: clinical testing. Allele origin: unknown.
Comment: This variant results in the deletion of exon 35-38 and part of exon 34 (c.5129_5763-1060del) of the ATM gene. It is expected to disrupt RNA splicing. Variants that disrupt the donor or acceptor splice site typically lead to a loss of protein function (PMID: 16199547), and loss-of-function variants in ATM are known to be pathogenic (PMID: 23807571, 25614872). This variant has been observed in individual(s) with ataxia-telangiectasia (PMID: 27664052). This variant is also known as c.5129_5762+1116del9264. ClinVar contains an entry for this variant (Variation ID: 665350). This variant disrupts a region of the ATM protein in which other variant(s) (p.Thr1743Ile) have been determined to be pathogenic (PMID: 9463314, 19147735, 19781682, 21792198, 30303537, 31921190). This suggests that this is a clinically significant region of the protein, and that variants that disrupt it are likely to be disease-causing. For these reasons, this variant has been classified as Pathogenic.

Literature cited by the submitters: PubMed 16199547; PubMed 23807571; PubMed 25614872; PubMed 27664052; PubMed 9463314; PubMed 19147735; PubMed 19781682; PubMed 21792198; PubMed 30303537; PubMed 31921190.